The following is an entry in ClinVar:

ClinVar aggregate classification (germline): Conflicting classifications of pathogenicity. Review status: criteria provided, conflicting classifications (1 of 4 stars). 8 submissions from 8 submitters: Uncertain significance (1); Likely benign (6). 1 of the submissions does not count toward it. Last evaluated 2026-01-25.

Conditions:
Retinal cone dystrophy 4 (RCD4). Identifiers: Orphanet 1872, MedGen C1864849, MONDO:0012507, OMIM 610478.

Allele frequency attached by ClinVar (database versions not stated): gnomAD exomes 0.00048 and 0.00098; ExAC 0.00099; gnomAD 0.00215 and 0.00231; 1000 Genomes Project 0.00220; ESP Exome Variant Server 0.00237; 1000 Genomes Project 30x 0.00250; TOPMed 0.00277.
gnomAD v4.1: 1,086 of 1,613,826 alleles (0.067%); highest among the groups gnomAD compares: African/African-American, 0.65%; 3 homozygotes.

Submissions (11):

Labcorp Genetics (formerly Invitae), Labcorp
Classification: Likely benign. Last evaluated: 2026-01-25. Review status: criteria provided, single submitter. Criteria: Invitae Variant Classification Sherloc (09022015). Collection method: clinical testing. Allele origin: germline.

Blueprint Genetics
Classification: Likely benign. Last evaluated: 2024-11-25. Review status: criteria provided, single submitter. Criteria: ACMG Guidelines, 2015. Collection method: clinical testing. Allele origin: germline.

GeneDx
Classification: Uncertain significance. Last evaluated: 2024-06-28. Review status: criteria provided, single submitter. Criteria: GeneDx Variant Classification Process June 2021. Collection method: clinical testing. Allele origin: germline. Affected: yes.
Comment: In silico analysis indicates that this missense variant does not alter protein structure/function; Has not been previously published as pathogenic or benign to our knowledge

CeGaT Center for Human Genetics Tuebingen
Classification: Likely benign. Last evaluated: 2023-02-01. Review status: criteria provided, single submitter. Criteria: CeGaT Center For Human Genetics Tuebingen Variant Classification Criteria Version 2. Collection method: clinical testing. Allele origin: germline. Affected: yes. Observed: 1 variant allele.
Comment: CACNA2D4: BP4, BS2

Illumina Laboratory Services, Illumina
Classification: Likely benign for Retinal cone dystrophy 4. Last evaluated: 2018-01-12. Review status: criteria provided, single submitter. Criteria: ICSL Variant Classification Criteria 13 December 2019. Collection method: clinical testing. Allele origin: germline.
Comment: This variant was observed in the ICSL laboratory as part of a predisposition screen in an ostensibly healthy population. It had not been previously curated by ICSL or reported in the Human Gene Mutation Database (HGMD: prior to June 1st, 2018), and was therefore a candidate for classification through an automated scoring system. Utilizing variant allele frequency, disease prevalence and penetrance estimates, and inheritance mode, an automated score was calculated to assess if this variant is too frequent to cause the disease. Based on the score and internal cut-off values, a variant classified as likely benign is not then subjected to further curation. The score for this variant resulted in a classification of likely benign for this disease.

Clinical Genetics DNA and cytogenetics Diagnostics Lab, Erasmus MC, Erasmus Medical Center
Classification: Likely benign for Retinal cone dystrophy 4. Last evaluated: 2016-07-15. Review status: criteria provided, single submitter. Criteria: ACGS Guidelines, 2013. Collection method: clinical testing. Allele origin: germline. Affected: yes. Study: VKGL Data-share Consensus.

Breakthrough Genomics
Classification: Likely benign. Review status: criteria provided, single submitter. Criteria: ACMG Guidelines, 2015. Collection method: not provided. Allele origin: germline. Inheritance: Autosomal recessive inheritance. Affected: yes.

Clinical Genetics, Academic Medical Center
Classification: Benign. Review status: no assertion criteria provided. Collection method: clinical testing. Allele origin: germline. Affected: yes. Study: VKGL Data-share Consensus. Not counted in ClinVar's aggregate classification.

Dr. Peter K. Rogan Lab, Western University
No classification provided (evidence only). Condition: Familial cancer of breast. Review status: no classification provided. Collection method: in vitro. Allele origin: not applicable. Functional consequence: retained intron. Not counted in ClinVar's aggregate classification.

Dr. Peter K. Rogan Lab, Western University
No classification provided (evidence only). Condition: Familial cancer of breast. Review status: no classification provided. Collection method: in vitro. Allele origin: not applicable. Functional consequence: retained intron. Not counted in ClinVar's aggregate classification.

Dr. Peter K. Rogan Lab, Western University
No classification provided (evidence only). Condition: Gastric cancer. Review status: no classification provided. Collection method: in vitro. Allele origin: not applicable. Functional consequence: retained intron. Not counted in ClinVar's aggregate classification.

NM_172364.5(CACNA2D4):c.2891C>T (p.Ala964Val)

Gene: CACNA2D4 (calcium voltage-gated channel auxiliary subunit alpha2delta 4; minus strand). Cytogenetic location: 12p13.33.
Variant type: single nucleotide variant.
Coding change: c.2891C>T on transcript NM_172364.5 (MANE Select); coding-DNA position 2891, C replaced by T.
Protein change: p.Ala964Val; replaces alanine 964 with valine.
Molecular consequence: missense variant.
Genome position (GRCh38, 1-based): chr12:1,800,416, G>A on the plus strand (C>T on the coding strand, the complement: CACNA2D4 is on the minus strand). VCF-style: chr12-1800416-G-A. GRCh37 (hg19) VCF-style: chr12-1909582-G-A.
Other names: short protein forms A964V.
Identifiers: ClinVar variation 522360 (VCV000522360.46), dbSNP rs201325274, ClinGen allele CA6386154.